The following is an entry in ClinVar:

ClinVar aggregate classification (germline): Pathogenic (1 of 4 stars; one submission).

Submission:

GeneDx
Classification: Pathogenic. Last evaluated: 2025-03-12. Review status: criteria provided, single submitter. Criteria: GeneDx Variant Classification Process June 2021. Collection method: clinical testing. Allele origin: germline. Affected: yes.
Comment: Frameshift variant predicted to result in protein truncation or nonsense mediated decay in a gene for which loss of function is a known mechanism of disease; Not observed at significant frequency in large population cohorts (gnomAD); This variant is associated with the following publications: (PMID: 33350591)

NM_001904.4(CTNNB1):c.214_215del (p.Gln72fs)

Genes: CTNNB1 (catenin beta 1; plus strand), LOC126806658 (BRD4-independent group 4 enhancer GRCh37_chr3:41265899-41267098; plus strand). Cytogenetic location: 3p22.1.
Variant type: Deletion.
Coding change: c.214_215del on transcript NM_001904.4 (MANE Select); coding-DNA positions 214 to 215, 2 bases deleted (CA; older notation c.214_215delCA).
Protein change: p.Gln72fs; shifts the reading frame from glutamine 72.
Molecular consequence: frameshift variant.
Genome position (GRCh38, 1-based): chr3:41,224,726-41,224,727, CA deleted. VCF-style (leftmost placement, unchanged base first): chr3-41224725-TCA-T. GRCh37 (hg19) VCF-style: chr3-41266216-TCA-T.
Other names: c.214_215del, p.Gln72fs (NM_001098209.2, NM_001098210.2, NM_001438871.1 and 4 more transcripts); c.193_194del, p.Gln65fs (NM_001330729.2); short protein forms Q65fs, Q72fs.
Identifiers: ClinVar variation 4083453 (VCV004083453.1).